The following is an entry in ClinVar:

ClinVar aggregate classification (germline): Uncertain significance. Review status: criteria provided, multiple submitters, no conflicts (2 of 4 stars). 2 submissions from 2 submitters: Uncertain significance (2). Last evaluated 2025-02-03.

Conditions:
Gamma-aminobutyric acid transaminase deficiency (GABATD). Also called: GABA aminotransaminase deficiency; GABA transaminase deficiency; Gamma aminobutyrate transaminase deficiency; 4 alpha aminobutyrate transaminase deficiency. Identifiers: Orphanet 2066, MedGen C0342708, MONDO:0013166, OMIM 613163.

Allele frequency attached by ClinVar (database versions not stated): TOPMed below 0.00001.

Submissions (2):

Labcorp Genetics (formerly Invitae), Labcorp
Classification: Uncertain significance for Gamma-aminobutyric acid transaminase deficiency. Last evaluated: 2025-02-03. Review status: criteria provided, single submitter. Criteria: Invitae Variant Classification Sherloc (09022015). Collection method: clinical testing. Allele origin: germline.
Comment: This sequence change replaces serine, which is neutral and polar, with proline, which is neutral and non-polar, at codon 55 of the ABAT protein (p.Ser55Pro). This variant is not present in population databases (gnomAD no frequency). This variant has not been reported in the literature in individuals affected with ABAT-related conditions. ClinVar contains an entry for this variant (Variation ID: 1162786). Invitae Evidence Modeling of protein sequence and biophysical properties (such as structural, functional, and spatial information, amino acid conservation, physicochemical variation, residue mobility, and thermodynamic stability) has been performed for this missense variant. However, the output from this modeling did not meet the statistical confidence thresholds required to predict the impact of this variant on ABAT protein function. In summary, the available evidence is currently insufficient to determine the role of this variant in disease. Therefore, it has been classified as a Variant of Uncertain Significance.

Mayo Clinic Laboratories, Mayo Clinic
Classification: Uncertain significance. Last evaluated: 2020-07-14. Review status: criteria provided, single submitter. Criteria: ACMG Guidelines, 2015. Collection method: clinical testing. Allele origin: germline. Observed: 1 variant allele.

NM_020686.6(ABAT):c.163T>C (p.Ser55Pro)

Gene: ABAT (4-aminobutyrate aminotransferase; plus strand). Cytogenetic location: 16p13.2.
Variant type: single nucleotide variant.
Coding change: c.163T>C on transcript NM_020686.6 (MANE Select); coding-DNA position 163, T replaced by C.
Protein change: p.Ser55Pro; replaces serine 55 with proline.
Molecular consequence: missense variant. On other transcripts: intron variant (2).
Genome position (GRCh38, 1-based): chr16:8,746,093, T>C. VCF-style: chr16-8746093-T-C. GRCh37 (hg19) VCF-style: chr16-8839950-T-C.
Other names: c.163T>C, p.Ser55Pro (NM_001386604.1, NM_001386605.1, NM_001386606.1 and 11 more transcripts); c.28T>C, p.Ser10Pro (NM_001386611.1, NM_001386612.1, NM_001386613.1); c.71-2015T>C (NM_001386610.1); c.70+10284T>C (NM_001386614.1); short protein forms S10P, S55P.
Identifiers: ClinVar variation 1162786 (VCV001162786.7), dbSNP rs2059320233, ClinGen allele CA394692394.
Genomic context (GRCh38, chr16:8,746,093, plus strand): 5'-GTCGACGTTGAATTTGATTATGATGGGCCTCTGATGAAGACGGAAGTCCCAGGGCCTAGA[T>C]CTCAGGTGAGTTGAGCACACCTGAGTGGGGTATTTTGGAAAAGGGAAAAAGGCGCCTAAG-3'
Protein context (NP_065737.2, residues 45-65): LMKTEVPGPR[Ser55Pro]QELMKQLNII